The following is an entry in ClinVar:

ClinVar aggregate classification (germline): Pathogenic/Likely pathogenic. Review status: criteria provided, multiple submitters, no conflicts (2 of 4 stars). 8 submissions from 8 submitters: Pathogenic (6); Likely pathogenic (1). 1 of the submissions does not count toward it. Last evaluated 2025-08-20.

Conditions:
Arthrogryposis multiplex congenita 6. Identifiers: MedGen C5543431, MONDO:0030281, OMIM 619334.
Nemaline myopathy 2 (NEM2). Also called: Nemaline myopathy 2, autosomal recessive. Identifiers: MedGen C1850569, MONDO:0009725, OMIM 256030.
Nemaline myopathy. Also called: Myopathies, Nemaline. Identifiers: Orphanet 607, MedGen C0206157, MONDO:0018958.

Submissions (8):

Labcorp Genetics (formerly Invitae), Labcorp
Classification: Pathogenic for Nemaline myopathy 2. Last evaluated: 2025-08-20. Review status: criteria provided, single submitter. Criteria: Invitae Variant Classification Sherloc (09022015). Collection method: clinical testing. Allele origin: germline.
Comment: This sequence change affects a splice site in intron 36 of the NEB gene. It is expected to disrupt RNA splicing. Variants that disrupt the donor or acceptor splice site typically lead to a loss of protein function (PMID: 16199547), and loss-of-function variants in NEB are known to be pathogenic (PMID: 25205138). Information on the frequency of this variant in the gnomAD database is not available, as this variant may be reported differently in the database. Disruption of this splice site has been observed in individuals with nemaline myopathy (PMID: 25205138). ClinVar contains an entry for this variant (Variation ID: 188944). For these reasons, this variant has been classified as Pathogenic.

Natera, Inc.
Classification: Likely pathogenic for Nemaline myopathy type 2. Last evaluated: 2025-06-02. Review status: criteria provided, single submitter. Criteria: Natera Variant Classification Schema (03/2026). Collection method: clinical testing. Allele origin: germline.
Comment: The c.3987+1_3987+2delGTinsTG variant in NEB is a canonical splice donor site variant predicted to affect pre-mRNA splicing, which may result in an abnormal transcript and altered protein product. This variant may result in a truncated or dysfunctional protein product. This variant is rare in the general population with a frequency below the threshold expected for the associated phenotype(s). This variant has been observed in one or more individuals affected with the associated recessive disease, as either homozygous or compound heterozygous with a second variant (PMID: 25205138). Functional studies show that this variant may disrupt protein function (PMID: 16917880). Another variant at this same site results in an alteration predicted to cause a similar molecular effect has been observed in individual(s) with the associated phenotype. Given the available evidence, this variant is classified as Likely Pathogenic.

Variantyx, Inc.
Classification: Pathogenic for Arthrogryposis multiplex congenita 6. Last evaluated: 2025-05-14. Review status: criteria provided, single submitter. Criteria: Variantyx Assertion Criteria 2022. Collection method: clinical testing. Allele origin: germline. Inheritance: Autosomal recessive inheritance. Affected: yes.
Comment: This is a canonical splicing variant in the NEB gene (OMIM: 161650). Pathogenic variants in this gene have been associated with autosomal recessive arthrogryposis multiplex congenita 6. This splicing variant is expected to result in loss of function, which is a known disease mechanism for NEB in this disorder (PMID: 25205138) (PVS1). It has been identified in the homozygous or compound heterozygous state in the current proband, and at least 2 individuals reported in the published literature (PMID: 25205138, 33060286), (PM3), and it has a 0.0044% maximum allele frequency in non-founder control populations (PM2). Based on the current evidence, this variant is classified as pathogenic for autosomal recessive arthrogryposis multiplex congenita 6.

Women's Health and Genetics/Laboratory Corporation of America, LabCorp
Classification: Pathogenic for Nemaline myopathy. Last evaluated: 2025-03-10. Review status: criteria provided, single submitter. Criteria: LabCorp Variant Classification Summary - May 2015. Collection method: clinical testing. Allele origin: germline.
Comment: Variant summary: NEB c.3987+1_3987+2delinsTG is located in a canonical splice-site and is predicted to affect mRNA splicing resulting in a significantly altered protein due to either exon skipping, shortening, or inclusion of intronic material. Several computational tools predict a significant impact on normal splicing: 4/4 predict the variant abolishes a 5' splicing donor site. However, these predictions have yet to be confirmed by functional studies. The variant allele, which consists of two single nucleotide changes in cis (c.3987+1G>T and c.3987+2T>G), was found at a frequency of 1.8e-05 in 280626 control chromosomes (gnomAD v2.1). The variant c.3987+1_3987+2delinsTG (also described as c.3987+1_3987+2inv) has been reported in the literature in multiple families / individuals affected with Nemaline Myopathy 2 (Lehtokari_2006, Lehtokari_2014, Ravenscroft_2020). These data indicate that the variant is likely to be associated with the disease. To our knowledge, no experimental evidence demonstrating an impact on protein function has been reported. Another variant affecting the same splice site was also reported in multiple affected individuals (Lehtokari_2014). The following publications have been ascertained in the context of this evaluation (PMID: 25205138, 16917880, 33060286). ClinVar contains an entry for this variant (Variation ID: 188944). Based on the evidence outlined above, the variant was classified as pathogenic.

Fulgent Genetics
Classification: Pathogenic for Nemaline myopathy 2; Arthrogryposis multiplex congenita 6. Last evaluated: 2024-05-03. Review status: criteria provided, single submitter. Criteria: ACMG Guidelines, 2015. Collection method: clinical testing. Allele origin: germline.

Baylor Genetics
Classification: Pathogenic for Arthrogryposis multiplex congenita 6. Last evaluated: 2024-03-16. Review status: criteria provided, single submitter. Criteria: ACMG Guidelines, 2015. Collection method: clinical testing. Allele origin: unknown.

GeneDx
Classification: Pathogenic. Last evaluated: 2015-09-01. Review status: criteria provided, single submitter. Criteria: GeneDx Variant Classification (06012015). Collection method: clinical testing. Allele origin: germline. Affected: yes.
Comment: The c. 3987+1_3987+2delGTinsTG splice site variant in the NEB gene destroys the canonical splice donor site of intron 36. It is predicted to cause abnormal gene splicing, either leading to an abnormal message that is subject to nonsense-mediated mRNA decay, or to an abnormal protein product if the message is used for protein translation. The c.3987+1_3987_2delGTinsTG was previously reported, using alternative nomenclature, in a family with nemaline myopathy, although a second pathogenic variant in NEB was not identified (Lehtokari et al., 2006). The c.3987+1_3987+2delGTinsTG variant was not observed in approximately 6,000 individuals of European and African American ancestry in the NHLBI Exome Sequencing Project, indicating it is not a common benign variant in these populations. Additionally, other pathogenic splice site variants in the NEB gene have been reported in the Human Gene Mutation Database in association with nemaline myopathy (Stenson et al., 2014). Therefore, we interpret c.3987+1_3987+2delGTinsTG as a pathogenic variant.

Counsyl
Classification: Likely pathogenic for Nemaline myopathy 2. Last evaluated: 2014-08-27. Review status: no assertion criteria provided. Collection method: literature only. Allele origin: unknown. Inheritance: Autosomal recessive inheritance. Not counted in ClinVar's aggregate classification.

Literature cited by the submitters: PubMed 16199547 (cited by Labcorp Genetics (formerly Invitae), Labcorp); PubMed 25205138 (cited by 4 submitters); PubMed 16917880 (cited by 3 submitters); PubMed 33060286 (cited by Variantyx, Inc. and Women's Health and Genetics/Laboratory Corporation of America, LabCorp).

NM_001164508.2(NEB):c.3987+1_3987+2delinsTG

Gene: NEB (nebulin; minus strand). Cytogenetic location: 2q23.3.
Variant type: Indel.
Coding change: c.3987+1_3987+2delinsTG on transcript NM_001164508.2 (MANE Select); the canonical splice donor site of the intron after coding-DNA position 3987, GT replaced by TG.
Molecular consequence: splice donor variant.
Genome position (GRCh38, 1-based): chr2:151,674,475-151,674,476, AC replaced by CA on the plus strand (GT replaced by TG on the coding strand, the reverse complement: NEB is on the minus strand). VCF-style: chr2-151674475-AC-CA. GRCh37 (hg19) VCF-style: chr2-152530989-AC-CA.
Other names: c.3987+1_3987+2delGTinsTG (NM_001164507.2); c.3987+1_3987+2delinsTG (NM_004543.5, NM_001164507.2, NM_001271208.2).
Identifiers: ClinVar variation 188944 (VCV000188944.21), dbSNP rs786204576, ClinGen allele CA274167.